The following is an entry in ClinVar:

ClinVar aggregate classification (germline): Uncertain significance. Review status: criteria provided, multiple submitters, no conflicts (2 of 4 stars). 2 submissions from 2 submitters: Uncertain significance (2). Last evaluated 2025-01-27.

Conditions:
Carney-Stratakis syndrome. Also called: PARAGANGLIOMA AND GASTROINTESTINAL STROMAL TUMOR. Identifiers: Orphanet 97286, MedGen C1847319, MONDO:0011740, OMIM 606864.
Cowden syndrome 3 (CWS3). Identifiers: Orphanet 201, MedGen CN166604, MONDO:0014045.
Pheochromocytoma. Also called: MAX-Related Hereditary Paraganglioma-Pheochromocytoma Syndrome. Identifiers: Orphanet 29072, MedGen C0031511, MONDO:0008233, OMIM 171300, HP:0002666.
Paragangliomas with sensorineural hearing loss. Identifiers: MedGen C1868633.
Hereditary cancer-predisposing syndrome. Also called: Neoplastic Syndromes, Hereditary; Tumor predisposition; Hereditary neoplastic syndrome; Hereditary Cancer Syndrome. Identifiers: Orphanet 140162, MedGen C0027672, MeSH D009386, MONDO:0015356.

Allele frequency attached by ClinVar (database versions not stated): TOPMed 0.00001.

Submissions (2):

Labcorp Genetics (formerly Invitae), Labcorp
Classification: Uncertain significance for Carney-Stratakis syndrome; Paragangliomas with sensorineural hearing loss; Pheochromocytoma; Cowden syndrome 3. Last evaluated: 2025-01-27. Review status: criteria provided, single submitter. Criteria: Invitae Variant Classification Sherloc (09022015). Collection method: clinical testing. Allele origin: germline.
Comment: This sequence change replaces phenylalanine, which is neutral and non-polar, with leucine, which is neutral and non-polar, at codon 136 of the SDHD protein (p.Phe136Leu). This variant is not present in population databases (gnomAD no frequency). This variant has not been reported in the literature in individuals affected with SDHD-related conditions. ClinVar contains an entry for this variant (Variation ID: 2145185). Invitae Evidence Modeling of protein sequence and biophysical properties (such as structural, functional, and spatial information, amino acid conservation, physicochemical variation, residue mobility, and thermodynamic stability) indicates that this missense variant is not expected to disrupt SDHD protein function with a negative predictive value of 80%. In summary, the available evidence is currently insufficient to determine the role of this variant in disease. Therefore, it has been classified as a Variant of Uncertain Significance.

Ambry Genetics
Classification: Uncertain significance for Hereditary cancer-predisposing syndrome. Last evaluated: 2024-06-30. Review status: criteria provided, single submitter. Criteria: Ambry Variant Classification Scheme 2023. Collection method: clinical testing. Allele origin: germline.
Comment: The p.F136L variant (also known as c.408T>A), located in coding exon 4 of the SDHD gene, results from a T to A substitution at nucleotide position 408. The phenylalanine at codon 136 is replaced by leucine, an amino acid with highly similar properties. This amino acid position is conserved. In addition, this alteration is predicted to be deleterious by in silico analysis. Based on the available evidence, the clinical significance of this variant remains unclear.

NM_003002.4(SDHD):c.408T>A (p.Phe136Leu)

Gene: SDHD (succinate dehydrogenase complex subunit D; plus strand). Cytogenetic location: 11q23.1.
Variant type: single nucleotide variant.
Coding change: c.408T>A on transcript NM_003002.4 (MANE Select); coding-DNA position 408, T replaced by A.
Protein change: p.Phe136Leu; replaces phenylalanine 136 with leucine.
Molecular consequence: missense variant. On other transcripts: 3 prime UTR variant (2), non-coding transcript variant (1).
Genome position (GRCh38, 1-based): chr11:112,094,898, T>A. VCF-style: chr11-112094898-T-A. GRCh37 (hg19) VCF-style: chr11-111965622-T-A.
Other names: c.408T>A (NM_003002.2); c.*5T>A (NM_001276503.2); c.291T>A, p.Phe97Leu (NM_001276504.2); c.*106T>A (NM_001276506.2); short protein forms F136L, F97L.
Identifiers: ClinVar variation 2145185 (VCV002145185.5), dbSNP rs944433298, ClinGen allele CA228555696.
Genomic context (GRCh38, chr11:112,094,898, plus strand): 5'-TGGGGATGCCTTGCAGAAAGCTGCCAAGGCAGGGCTTTTGGCACTTTCAGCTTTAACCTT[T>A]GCTGGGCTTTGCTATTTCAACTATCACGATGTGGGCATCTGCAAAGCTGTTGCCATGCTG-3'
Protein context (NP_002993.1, residues 126-146): AGLLALSALT[Phe136Leu]AGLCYFNYHD